The following is an entry in ClinVar:

ClinVar aggregate classification (germline): Uncertain significance (1 of 4 stars; one submission).

Conditions:
Hereditary cancer-predisposing syndrome. Also called: Neoplastic Syndromes, Hereditary; Tumor predisposition; Hereditary Cancer Syndrome; Hereditary neoplastic syndrome. Identifiers: Orphanet 140162, MedGen C0027672, MeSH D009386, MONDO:0015356.

Submission:

Labcorp Genetics (formerly Invitae), Labcorp
Classification: Uncertain significance for Hereditary cancer-predisposing syndrome. Last evaluated: 2022-03-17. Review status: criteria provided, single submitter. Criteria: Invitae Variant Classification Sherloc (09022015). Collection method: clinical testing. Allele origin: germline.
Comment: In summary, the available evidence is currently insufficient to determine the role of this variant in disease. Therefore, it has been classified as a Variant of Uncertain Significance. Variants that disrupt the consensus splice site are a relatively common cause of aberrant splicing (PMID: 17576681, 9536098). Algorithms developed to predict the effect of sequence changes on RNA splicing suggest that this variant may disrupt the consensus splice site. This variant has not been reported in the literature in individuals affected with RAD50-related conditions. This variant is not present in population databases (gnomAD no frequency). This sequence change falls in intron 11 of the RAD50 gene. It does not directly change the encoded amino acid sequence of the RAD50 protein. It affects a nucleotide within the consensus splice site.

Literature cited by the submitters: PubMed 17576681; PubMed 9536098.

NM_005732.4(RAD50):c.1793+3_1793+6del

Gene: RAD50 (RAD50 double strand break repair protein; plus strand). Cytogenetic location: 5q31.1.
Variant type: Microsatellite.
Coding change: c.1793+3_1793+6del on transcript NM_005732.4 (MANE Select); bases 3 to 6 of the intron after coding-DNA position 1793, 4 bases deleted (AAGT; older notation c.1793+3_1793+6delAAGT).
Molecular consequence: splice donor variant.
Genome position (GRCh38, 1-based): chr5:132,592,037-132,592,040, AAGT deleted; deleting any 4 consecutive bases within chr5:132,592,033-132,592,040 gives the same sequence; the c. name uses the placement nearest the transcript's 3' end. VCF-style (leftmost placement, unchanged base first): chr5-132592032-GAAGT-G. GRCh37 (hg19) VCF-style: chr5-131927724-GAAGT-G.
Identifiers: ClinVar variation 2113169 (VCV002113169.4), dbSNP rs2479643937, ClinGen allele CA2580613662.